The following is an entry in ClinVar:

NM_002734.5(PRKAR1A):c.891+4A>G

Gene: PRKAR1A (protein kinase cAMP-dependent type I regulatory subunit alpha; plus strand). Cytogenetic location: 17q24.2.
Variant type: single nucleotide variant.
Coding change: c.891+4A>G on transcript NM_002734.5 (MANE Select); 4 bases into the intron after coding-DNA position 891, A replaced by G.
Molecular consequence: intron variant.
Genome position (GRCh38, 1-based): chr17:68,528,995, A>G. VCF-style: chr17-68528995-A-G. GRCh37 (hg19) VCF-style: chr17-66525136-A-G.
Other names: c.891+4A>G (NM_002734.3, NM_001278433.2, NM_001369389.1 and 5 more transcripts).
Identifiers: ClinVar variation 953349 (VCV000953349.8), dbSNP rs745885582, ClinGen allele CA8729400.

ClinVar aggregate classification (germline): Uncertain significance. Review status: criteria provided, multiple submitters, no conflicts (2 of 4 stars). 2 submissions from 2 submitters: Uncertain significance (2). Last evaluated 2025-05-03.

Conditions:
Carney complex, type 1 (CNC1). Also called: CARNEY COMPLEX, TYPE I; CARNEY MYXOMA-ENDOCRINE COMPLEX. Identifiers: Orphanet 1359, MedGen C2607929, MONDO:0008057, OMIM 160980.
Hereditary cancer-predisposing syndrome. Also called: Hereditary neoplastic syndrome; Tumor predisposition; Neoplastic Syndromes, Hereditary; Hereditary Cancer Syndrome. Identifiers: Orphanet 140162, MedGen C0027672, MeSH D009386, MONDO:0015356.

Allele frequency attached by ClinVar (database versions not stated): gnomAD exomes below 0.00001; ExAC 0.00001.
gnomAD v4.1: 2 of 1,613,644 alleles (0.00012%); highest among the groups gnomAD compares: Non-Finnish European, 0.00017%; no homozygotes.

Submissions (2):

Ambry Genetics
Classification: Uncertain significance for Hereditary cancer-predisposing syndrome. Last evaluated: 2025-05-03. Review status: criteria provided, single submitter. Criteria: Ambry Variant Classification Scheme 2023. Collection method: clinical testing. Allele origin: germline.
Comment: The c.891+4A>G intronic variant results from an A to G substitution 4 nucleotides after coding exon 8 in the PRKAR1A gene. This nucleotide position is well conserved in available vertebrate species. In silico splice site analysis predicts that this alteration will result in the creation or strengthening of a novel splice donor site. Based on the available evidence, the clinical significance of this variant remains unclear.

Labcorp Genetics (formerly Invitae), Labcorp
Classification: Uncertain significance for Carney complex, type 1. Last evaluated: 2019-11-11. Review status: criteria provided, single submitter. Criteria: Invitae Variant Classification Sherloc (09022015). Collection method: clinical testing. Allele origin: germline.
Comment: This sequence change falls in intron 9 of the PRKAR1A gene. It does not directly change the encoded amino acid sequence of the PRKAR1A protein, but it affects a nucleotide within the consensus splice site of the intron. This variant is present in population databases (rs745885582, ExAC 0.002%). This variant has not been reported in the literature in individuals with PRKAR1A-related conditions. Nucleotide substitutions within the consensus splice site are a relatively common cause of aberrant splicing (PMID: 17576681, 9536098). Algorithms developed to predict the effect of sequence changes on RNA splicing suggest that this variant may disrupt the consensus splice site, but this prediction has not been confirmed by published transcriptional studies. In summary, the available evidence is currently insufficient to determine the role of this variant in disease. Therefore, it has been classified as a Variant of Uncertain Significance.

Literature cited by the submitters: PubMed 17576681 (cited by Labcorp Genetics (formerly Invitae), Labcorp); PubMed 9536098 (cited by Labcorp Genetics (formerly Invitae), Labcorp).